The following is an entry in ClinVar:

ClinVar aggregate classification (germline): Pathogenic. Review status: criteria provided, multiple submitters, no conflicts (2 of 4 stars). 3 submissions from 3 submitters: Pathogenic (2). 1 of the submissions does not count toward it. Last evaluated 2025-10-20.

Conditions:
Protoporphyria, erythropoietic, 1 (EPP1). Also called: Erythropoietic Protoporphyria, Autosomal Recessive; FERROCHELATASE DEFICIENCY; HEME SYNTHETASE DEFICIENCY. Identifiers: Orphanet 79278, MedGen C4692546, MONDO:0008319, OMIM 177000.

Submissions (3):

Mayo Clinic Laboratories, Mayo Clinic
Classification: Pathogenic. Last evaluated: 2025-10-20. Review status: criteria provided, single submitter. Criteria: ACMG Guidelines, 2015. Collection method: clinical testing. Allele origin: germline. Observed: 1 variant allele.
Comment: PP4, PM2_supporting, PM3_supporting, PVS1

Labcorp Genetics (formerly Invitae), Labcorp
Classification: Pathogenic. Last evaluated: 2023-03-09. Review status: criteria provided, single submitter. Criteria: Invitae Variant Classification Sherloc (09022015). Collection method: clinical testing. Allele origin: germline.
Comment: This sequence change creates a premature translational stop signal (p.Tyr194Leufs*16) in the FECH gene. It is expected to result in an absent or disrupted protein product. Loss-of-function variants in FECH are known to be pathogenic (PMID: 20105171, 23016163, 23364466). This variant is present in population databases (rs786205248, gnomAD 0.007%). This premature translational stop signal has been observed in individual(s) with FECH-related condition (PMID: 7705834). ClinVar contains an entry for this variant (Variation ID: 560). For these reasons, this variant has been classified as Pathogenic.

OMIM
Classification: Pathogenic for PROTOPORPHYRIA, ERYTHROPOIETIC, 1. Last evaluated: 1998-07-01. Review status: no assertion criteria provided. Collection method: literature only. Allele origin: germline. Not counted in ClinVar's aggregate classification.

Literature cited by the submitters: PubMed 22591014 (cited by Mayo Clinic Laboratories, Mayo Clinic); PubMed 7705834 (cited by Mayo Clinic Laboratories, Mayo Clinic and Labcorp Genetics (formerly Invitae), Labcorp); PubMed 9649563 (cited by Mayo Clinic Laboratories, Mayo Clinic and OMIM); PubMed 20105171 (cited by Labcorp Genetics (formerly Invitae), Labcorp); PubMed 23016163 (cited by Labcorp Genetics (formerly Invitae), Labcorp); PubMed 23364466 (cited by Labcorp Genetics (formerly Invitae), Labcorp).

NM_000140.5(FECH):c.580_584del (p.Tyr194fs)

Gene: FECH (ferrochelatase; minus strand). Cytogenetic location: 18q21.31.
Variant type: Deletion.
Coding change: c.580_584del on transcript NM_000140.5 (MANE Select); coding-DNA positions 580 to 584, 5 bases deleted (TACAG; older notation c.580_584delTACAG).
Protein change: p.Tyr194fs; shifts the reading frame from tyrosine 194.
Molecular consequence: frameshift variant.
Genome position (GRCh38, 1-based): chr18:57,566,461-57,566,465, CTGTA deleted on the plus strand (TACAG on the coding strand, the reverse complement: FECH is on the minus strand); deleting any 5 consecutive bases within chr18:57,566,461-57,566,469 gives the same sequence; the c. name uses the placement nearest the transcript's 3' end. VCF-style (leftmost placement, unchanged base first): chr18-57566460-GCTGTA-G. GRCh37 (hg19) VCF-style: chr18-55233692-GCTGTA-G.
Other names: p.Tyr194Leufs*16; c.598_602del, p.Tyr200fs (NM_001012515.4); c.580_584del, p.Tyr194fs (NM_001371094.1, NM_001374778.1); c.364_368del, p.Tyr122fs (NM_001371095.1); c.580_584del (NM_000140.4); short protein forms Y194fs, Y200fs, Y122fs.
Identifiers: ClinVar variation 560 (VCV000000560.5), dbSNP rs786205248, ClinGen allele CA251521.
Genomic context (GRCh38, chr18:57,566,460, plus strand): 5'-TTGCCAGCACCGTATCTACCTTTCCACTGTCAGAGAGATGCCCTTACCTGTGGTGGAGCA[GCTGTA>G]CTGTGGATACTGTGTGAAAGCAATAGCCCTTTCTAGGCCATCTCTCTCCATCTCTTCAAT-3'